The following is an entry in ClinVar:

ClinVar aggregate classification (germline): Benign/Likely benign. Review status: criteria provided, multiple submitters, no conflicts (2 of 4 stars). 3 submissions from 3 submitters: Benign (2); Likely benign (1). Last evaluated 2026-09-01.

Submissions (3):

CeGaT Center for Human Genetics Tuebingen
Classification: Likely benign. Last evaluated: 2026-09-01. Review status: criteria provided, single submitter. Criteria: CeGaT Center For Human Genetics Tuebingen Variant Classification Criteria Version 2. Collection method: clinical testing. Allele origin: germline. Affected: yes. Observed: 61 variant alleles.
Comment: SON: PM4, BS1

Labcorp Genetics (formerly Invitae), Labcorp
Classification: Benign. Last evaluated: 2026-02-02. Review status: criteria provided, single submitter. Criteria: Invitae Variant Classification Sherloc (09022015). Collection method: clinical testing. Allele origin: germline.

Genetic Services Laboratory, University of Chicago
Classification: Benign. Last evaluated: 2018-08-27. Review status: criteria provided, single submitter. Criteria: ACMG Guidelines, 2015. Collection method: clinical testing. Allele origin: germline. Affected: no.

NM_138927.4(SON):c.4090_4113del (p.Ala1364_Ser1371del)

Gene: SON (SON DNA and RNA binding protein; plus strand). Cytogenetic location: 21q22.11.
Variant type: Deletion.
Coding change: c.4090_4113del on transcript NM_138927.4 (MANE Select); coding-DNA positions 4090 to 4113, 24 bases deleted (GCTGTGACCGTCCTGGAGTCTTCG).
Protein change: p.Ala1364_Ser1371del.
Molecular consequence: inframe deletion. On other transcripts: non-coding transcript variant (1), intron variant (1).
Genome position (GRCh38, 1-based): chr21:33,553,321-33,553,344, GCTGTGACCGTCCTGGAGTCTTCG deleted; deleting any 24 consecutive bases within chr21:33,553,306-33,553,344 gives the same sequence; the c. name uses the placement nearest the transcript's 3' end. VCF-style (leftmost placement, unchanged base first): chr21-33553305-TGTCCTGGAGTCTTCGGCTGTGACC-T. GRCh37 (hg19) VCF-style: chr21-34925611-TGTCCTGGAGTCTTCGGCTGTGACC-T.
Other names: c.4090_4113del, p.Ala1364_Ser1371del (NM_001291411.2, NM_032195.3); c.245-3835_245-3812del (NM_001291412.3).
Identifiers: ClinVar variation 782068 (VCV000782068.45), dbSNP rs779275354, ClinGen allele CA10009440.